The following is an entry in ClinVar:

NM_003384.3(VRK1):c.889+306C>T

Gene: VRK1 (VRK serine/threonine kinase 1; plus strand). Cytogenetic location: 14q32.2.
Variant type: single nucleotide variant.
Coding change: c.889+306C>T on transcript NM_003384.3 (MANE Select); 306 bases into the intron after coding-DNA position 889, C replaced by T.
Molecular consequence: intron variant.
Genome position (GRCh38, 1-based): chr14:96,856,892, C>T. VCF-style: chr14-96856892-C-T. GRCh37 (hg19) VCF-style: chr14-97323229-C-T.
Identifiers: ClinVar variation 680841 (VCV000680841.1), dbSNP rs112385769, ClinGen allele CA13984171.

ClinVar aggregate classification (germline): Benign (1 of 4 stars; one submission).

Allele frequency attached by ClinVar (database versions not stated): gnomAD 0.08446 and 0.08177; 1000 Genomes Project 0.04193; 1000 Genomes Project 30x 0.04247; TOPMed 0.07960.
gnomAD v4.1: 12,593 of 151,988 alleles (8.3%); highest among the groups gnomAD compares: Non-Finnish European, 13%; 683 homozygotes.

Submission:

GeneDx
Classification: Benign. Last evaluated: 2018-06-19. Review status: criteria provided, single submitter. Criteria: GeneDx Variant Classification (06012015). Collection method: clinical testing. Allele origin: germline. Affected: yes.
Comment: This variant is considered likely benign or benign based on one or more of the following criteria: it is a conservative change, it occurs at a poorly conserved position in the protein, it is predicted to be benign by multiple in silico algorithms, and/or has population frequency not consistent with disease.